The following is an entry in ClinVar:

ClinVar aggregate classification (germline): Uncertain significance (1 of 4 stars; one submission).

Conditions:
Primary ciliary dyskinesia. Also called: Ciliary dyskinesia. Identifiers: Orphanet 244, MedGen C0008780, MONDO:0016575, HP:0012265.

gnomAD v4.1: 2 of 1,613,606 alleles (0.00012%); highest among the groups gnomAD compares: South Asian, 0.0022%; no homozygotes.

Submission:

Ambry Genetics
Classification: Uncertain significance for Primary ciliary dyskinesia. Last evaluated: 2025-05-03. Review status: criteria provided, single submitter. Criteria: Ambry Variant Classification Scheme 2023. Collection method: clinical testing. Allele origin: germline.
Comment: The p.M2083T variant (also known as c.6248T>C), located in coding exon 37 of the DNAH5 gene, results from a T to C substitution at nucleotide position 6248. The methionine at codon 2083 is replaced by threonine, an amino acid with similar properties. This amino acid position is highly conserved in available vertebrate species. In addition, this alteration is predicted to be deleterious by in silico analysis. Based on the available evidence, the clinical significance of this variant remains unclear.

NM_001369.3(DNAH5):c.6248T>C (p.Met2083Thr)

Gene: DNAH5 (dynein axonemal heavy chain 5; minus strand). Cytogenetic location: 5p15.2.
Variant type: single nucleotide variant.
Coding change: c.6248T>C on transcript NM_001369.3 (MANE Select); coding-DNA position 6248, T replaced by C.
Protein change: p.Met2083Thr; replaces methionine 2083 with threonine.
Molecular consequence: missense variant.
Genome position (GRCh38, 1-based): chr5:13,830,027, A>G on the plus strand (T>C on the coding strand, the complement: DNAH5 is on the minus strand). VCF-style: chr5-13830027-A-G. GRCh37 (hg19) VCF-style: chr5-13830136-A-G.
Other names: short protein forms M2083T.
Identifiers: ClinVar variation 4013100 (VCV004013100.1).